The following is an entry in ClinVar:

ClinVar aggregate classification (germline): Pathogenic (1 of 4 stars; one submission).

Conditions:
Osteogenesis imperfecta type I (OI1). Also called: Lobstein's Disease; Osteogenesis imperfecta type 1; Classic Non-deforming Osteogenesis Imperfecta with Blue Sclerae; Lobstein disease; OI, TYPE I; OSTEOGENESIS IMPERFECTA TARDA. Identifiers: Orphanet 216796, Orphanet 666, MedGen C0023931, MONDO:0008146, OMIM 166200. Disease mechanism: loss of function.

Submission:

Labcorp Genetics (formerly Invitae), Labcorp
Classification: Pathogenic for Osteogenesis imperfecta type I. Last evaluated: 2024-12-18. Review status: criteria provided, single submitter. Criteria: Invitae Variant Classification Sherloc (09022015). Collection method: clinical testing. Allele origin: germline.
Comment: This sequence change creates a premature translational stop signal (p.Gly977Glufs*138) in the COL1A1 gene. It is expected to result in an absent or disrupted protein product. Loss-of-function variants in COL1A1 are known to be pathogenic (PMID: 7942841, 9295084, 9443882). This variant is not present in population databases (gnomAD no frequency). This variant has not been reported in the literature in individuals affected with COL1A1-related conditions. ClinVar contains an entry for this variant (Variation ID: 2133789). For these reasons, this variant has been classified as Pathogenic.

Literature cited by the submitters: PubMed 7942841; PubMed 9295084; PubMed 9443882.

NM_000088.4(COL1A1):c.2910_2929dup (p.Gly977fs)

Gene: COL1A1 (collagen type I alpha 1 chain; minus strand). Cytogenetic location: 17q21.33.
Variant type: Duplication.
Coding change: c.2910_2929dup on transcript NM_000088.4 (MANE Select); coding-DNA positions 2910 to 2929, 20 bases duplicated (AGGCTTCCCTGGTCTTCCTG).
Protein change: p.Gly977fs; shifts the reading frame from glycine 977.
Molecular consequence: frameshift variant.
Genome position (GRCh38, 1-based): chr17:50,189,176-50,189,195, CAGGAAGACCAGGGAAGCCT duplicated on the plus strand (AGGCTTCCCTGGTCTTCCTG on the coding strand, the reverse complement: COL1A1 is on the minus strand); duplicating any 20 consecutive bases within chr17:50,189,176-50,189,196 gives the same sequence; the c. name uses the placement nearest the transcript's 3' end. VCF-style (leftmost placement, unchanged base first): chr17-50189175-C-CCAGGAAGACCAGGGAAGCCT. GRCh37 (hg19) VCF-style: chr17-48266536-C-CCAGGAAGACCAGGGAAGCCT.
Other names: short protein forms G977fs.
Identifiers: ClinVar variation 2133789 (VCV002133789.4), dbSNP rs2509181838, ClinGen allele CA2580094240.
Genomic context (GRCh38, chr17:50,189,175, plus strand): 5'-CAAGTCCTGTGATGGTTTTTCTCAGGGCCCCCCAAGGTGAGGGGGGCACTTACAGAGGGG[C>CCAGGAAGACCAGGGAAGCCT]CAGGAAGACCAGGGAAGCCTCTCTCTCCTCTCTGACCAGGCAGGCCGACCACACCACGCT-3'